The following is an entry in ClinVar:

ClinVar aggregate classification (germline): Pathogenic (1 of 4 stars; one submission).

Submission:

Labcorp Genetics (formerly Invitae), Labcorp
Classification: Pathogenic. Last evaluated: 2022-10-03. Review status: criteria provided, single submitter. Criteria: Invitae Variant Classification Sherloc (09022015). Collection method: clinical testing. Allele origin: germline.
Comment: For these reasons, this variant has been classified as Pathogenic. Algorithms developed to predict the effect of sequence changes on RNA splicing suggest that this variant may disrupt the consensus splice site. This variant is also known as c.1897_1897+1del. This variant has not been reported in the literature in individuals affected with SLC4A11-related conditions. This variant is present in population databases (no rsID available, gnomAD 0.007%). This sequence change creates a premature translational stop signal (p.Met633*) in the SLC4A11 gene. It is expected to result in an absent or disrupted protein product. Loss-of-function variants in SLC4A11 are known to be pathogenic (PMID: 17220209, 17679935).

Literature cited by the submitters: PubMed 17220209; PubMed 17679935.

NM_001174089.2(SLC4A11):c.1849_1849+1del

Gene: SLC4A11 (solute carrier family 4 member 11; minus strand). Cytogenetic location: 20p13.
Variant type: Microsatellite.
Coding change: c.1849_1849+1del on transcript NM_001174089.2 (MANE Select); coding-DNA position 1849 through the canonical splice donor site of the intron after coding-DNA position 1849, 2 bases deleted (AG; older notation c.1849_1849+1delAG).
Molecular consequence: splice donor variant.
Genome position (GRCh38, 1-based): chr20:3,229,345-3,229,346, CT deleted on the plus strand (AG on the coding strand, the reverse complement: SLC4A11 is on the minus strand); deleting any 2 consecutive bases within chr20:3,229,345-3,229,349 gives the same sequence; the c. name uses the placement nearest the transcript's 3' end. VCF-style (leftmost placement, unchanged base first): chr20-3229344-ACT-A. GRCh37 (hg19) VCF-style: chr20-3209990-ACT-A.
Other names: c.1792_1792+1del (NM_001400277.1, NM_001400278.1, NM_001400279.1); c.1735_1735+1del (NM_001363745.2); c.1864_1864+1del (NM_001400280.1); c.1978_1978+1del (NM_001174090.2); c.1897_1897+1del (NM_032034.4).
Identifiers: ClinVar variation 2033815 (VCV002033815.4), dbSNP rs1237818323, ClinGen allele CA634329400.